The following is an entry in ClinVar:

NM_000368.5(TSC1):c.3137C>T (p.Ser1046Phe)

Gene: TSC1 (TSC complex subunit 1; minus strand). Cytogenetic location: 9q34.13.
Variant type: single nucleotide variant.
Coding change: c.3137C>T on transcript NM_000368.5 (MANE Select); coding-DNA position 3137, C replaced by T.
Protein change: p.Ser1046Phe; replaces serine 1046 with phenylalanine.
Molecular consequence: missense variant.
Genome position (GRCh38, 1-based): chr9:132,896,593, G>A on the plus strand (C>T on the coding strand, the complement: TSC1 is on the minus strand). VCF-style: chr9-132896593-G-A. GRCh37 (hg19) VCF-style: chr9-135771980-G-A.
Other names: c.3134C>T, p.Ser1045Phe (NM_001162426.2); c.2984C>T, p.Ser995Phe (NM_001162427.2); c.2774C>T, p.Ser925Phe (NM_001362177.2); short protein forms S925F, S1045F, S995F, S1046F.
Identifiers: ClinVar variation 963043 (VCV000963043.10), dbSNP rs1845071202, ClinGen allele CA375367270.

ClinVar aggregate classification (germline): Uncertain significance. Review status: criteria provided, multiple submitters, no conflicts (2 of 4 stars). 2 submissions from 2 submitters: Uncertain significance (2). Last evaluated 2024-02-02.

Conditions:
Hereditary cancer-predisposing syndrome. Also called: Hereditary neoplastic syndrome; Tumor predisposition; Neoplastic Syndromes, Hereditary; Hereditary Cancer Syndrome. Identifiers: Orphanet 140162, MedGen C0027672, MeSH D009386, MONDO:0015356.
Tuberous sclerosis 1 (TSC1). Identifiers: Orphanet 805, MedGen C1854465, MONDO:0008612, OMIM 191100.

Submissions (2):

Ambry Genetics
Classification: Uncertain significance for Hereditary cancer-predisposing syndrome. Last evaluated: 2024-02-02. Review status: criteria provided, single submitter. Criteria: Ambry Variant Classification Scheme 2023. Collection method: clinical testing. Allele origin: germline.
Comment: The p.S1046F variant (also known as c.3137C>T), located in coding exon 21 of the TSC1 gene, results from a C to T substitution at nucleotide position 3137. The serine at codon 1046 is replaced by phenylalanine, an amino acid with highly dissimilar properties. This amino acid position is conserved. In addition, the in silico prediction for this alteration is inconclusive. Based on the available evidence, the clinical significance of this alteration remains unclear.

Labcorp Genetics (formerly Invitae), Labcorp
Classification: Uncertain significance for Tuberous sclerosis 1. Last evaluated: 2019-09-30. Review status: criteria provided, single submitter. Criteria: Invitae Variant Classification Sherloc (09022015). Collection method: clinical testing. Allele origin: germline.
Comment: Algorithms developed to predict the effect of missense changes on protein structure and function are either unavailable or do not agree on the potential impact of this missense change (SIFT: "Deleterious"; PolyPhen-2: "Possibly Damaging"; Align-GVGD: "Class C15"). In summary, the available evidence is currently insufficient to determine the role of this variant in disease. Therefore, it has been classified as a Variant of Uncertain Significance. This variant has not been reported in the literature in individuals with TSC1-related conditions. This variant is not present in population databases (ExAC no frequency). This sequence change replaces serine with phenylalanine at codon 1046 of the TSC1 protein (p.Ser1046Phe). The serine residue is highly conserved and there is a large physicochemical difference between serine and phenylalanine.